The following is an entry in ClinVar:

NM_000311.5(PRNP):c.341G>T (p.Gly114Val)

Gene: PRNP (prion protein (Kanno blood group); plus strand). Cytogenetic location: 20p13.
Variant type: single nucleotide variant.
Coding change: c.341G>T on transcript NM_000311.5 (MANE Select); coding-DNA position 341, G replaced by T.
Protein change: p.Gly114Val; replaces glycine 114 with valine.
Molecular consequence: missense variant. On other transcripts: 3 prime UTR variant (1).
Genome position (GRCh38, 1-based): chr20:4,699,561, G>T. VCF-style: chr20-4699561-G-T. GRCh37 (hg19) VCF-style: chr20-4680207-G-T.
Other names: c.341G>T, p.Gly114Val (NM_001080121.3, NM_001080122.3, NM_001080123.3 and 1 more transcripts); c.*30G>T (NM_001271561.3); short protein forms G114V.
Identifiers: ClinVar variation 4854643 (VCV004854643.1).

ClinVar aggregate classification (germline): Uncertain significance (1 of 4 stars; one submission).

Conditions:
PRNP-related disorder. Also called: PRNP-related condition; PRNP-related disorders.

Submission:

3billion
Classification: Uncertain significance for PRNP-related disorder. Last evaluated: 2025-09-22. Review status: criteria provided, single submitter. Criteria: ACMG Guidelines, 2015. Collection method: clinical testing. Allele origin: germline. Affected: yes.
Comment: The variant is not observed in the gnomAD v4.1.0 dataset. Predicted Consequence/Location: Missense variant. Missense changes are a common disease-causing mechanism. In silico tool predictions suggest damaging effect of the variant on gene or gene product [REVEL: 0.78 (>=0.6, sensitivity 0.68 and specificity 0.92); 3Cnet: 0.94 (> 0.75, sensitivity 0.96 and precision 0.92)]. The same nucleotide change resulting in the same amino acid change has been previously reported to be associated with PRNP-related disorder (PMID: 15851745). However, the evidence of pathogenicity is insufficient at this time. Therefore, this variant is classified as VUS according to the recommendation of ACMG/AMP guideline.

Literature cited by the submitters: PubMed 15851745.